The following is an entry in ClinVar:

ClinVar aggregate classification (germline): Uncertain significance. Review status: criteria provided, multiple submitters, no conflicts (2 of 4 stars). 2 submissions from 2 submitters: Uncertain significance (2). Last evaluated 2024-10-02.

Conditions:
Capillary malformation-arteriovenous malformation syndrome. Also called: Capillary malformation-arteriovenous malformation. Identifiers: Orphanet 137667, MedGen C1842180, MONDO:0012016.

Allele frequency attached by ClinVar (database versions not stated): TOPMed 0.00003; ExAC 0.00003.
gnomAD v4.1: 17 of 1,614,156 alleles (0.0011%); highest among the groups gnomAD compares: South Asian, 0.0033%; no homozygotes.

Submissions (2):

Blueprint Genetics
Classification: Uncertain significance. Last evaluated: 2024-10-02. Review status: criteria provided, single submitter. Criteria: ACMG Guidelines, 2015. Collection method: clinical testing. Allele origin: germline.

Labcorp Genetics (formerly Invitae), Labcorp
Classification: Uncertain significance for Capillary malformation-arteriovenous malformation syndrome. Last evaluated: 2023-07-19. Review status: criteria provided, single submitter. Criteria: Invitae Variant Classification Sherloc (09022015). Collection method: clinical testing. Allele origin: germline.
Comment: In summary, the available evidence is currently insufficient to determine the role of this variant in disease. Therefore, it has been classified as a Variant of Uncertain Significance. An algorithm developed to predict the effect of missense changes on protein structure and function (PolyPhen-2) suggests that this variant is likely to be tolerated. This missense change has been observed in individual(s) with clinical features of RASA1-related conditions (PMID: 30120215, 35209959). This variant is present in population databases (rs758894954, gnomAD 0.006%). This sequence change replaces valine, which is neutral and non-polar, with methionine, which is neutral and non-polar, at codon 1003 of the RASA1 protein (p.Val1003Met).

Literature cited by the submitters: PubMed 30120215 (cited by Labcorp Genetics (formerly Invitae), Labcorp); PubMed 35209959 (cited by Labcorp Genetics (formerly Invitae), Labcorp).

NM_002890.3(RASA1):c.3007G>A (p.Val1003Met)

Genes: CCNH (cyclin H; minus strand), RASA1 (RAS p21 protein activator 1; plus strand). Cytogenetic location: 5q14.3.
Variant type: single nucleotide variant.
Coding change: c.3007G>A on transcript NM_002890.3 (MANE Select); coding-DNA position 3007, G replaced by A.
Protein change: p.Val1003Met; replaces valine 1003 with methionine.
Molecular consequence: missense variant. On other transcripts: intron variant (1).
Genome position (GRCh38, 1-based): chr5:87,389,474, G>A. VCF-style: chr5-87389474-G-A. GRCh37 (hg19) VCF-style: chr5-86685291-G-A.
Other names: c.2476G>A, p.Val826Met (NM_022650.3); c.933+5570C>T (NM_001364075.2); short protein forms V1003M, V826M.
Identifiers: ClinVar variation 2904466 (VCV002904466.4), dbSNP rs758894954, ClinGen allele CA3336191.
Genomic context (GRCh38, chr5:87,389,474, plus strand): 5'-ACTACAGAGCATTCTAGAACGGACCTGTCCCGTGATTTAGCAGCATTGCATGAGATTTGC[G>A]TGGCTCATTCAGATGAACTTCGAACGCTCAGTAATGAGCGTGGTGCACAGCAGGTAGGCT-3'
Protein context (NP_002881.1, residues 993-1013): RDLAALHEIC[Val1003Met]AHSDELRTLS